The following is an entry in ClinVar:

NM_005219.5(DIAPH1):c.3419A>G (p.Asn1140Ser)

Gene: DIAPH1 (diaphanous related formin 1; minus strand). Cytogenetic location: 5q31.3.
Variant type: single nucleotide variant.
Coding change: c.3419A>G on transcript NM_005219.5 (MANE Select); coding-DNA position 3419, A replaced by G.
Protein change: p.Asn1140Ser; replaces asparagine 1140 with serine.
Molecular consequence: missense variant.
Genome position (GRCh38, 1-based): chr5:141,526,316, T>C on the plus strand (A>G on the coding strand, the complement: DIAPH1 is on the minus strand). VCF-style: chr5-141526316-T-C. GRCh37 (hg19) VCF-style: chr5-140905883-T-C.
Other names: c.3392A>G, p.Asn1131Ser (NM_001079812.3); c.3419A>G, p.Asn1140Ser (NM_001314007.2); short protein forms N1131S, N1140S.
Identifiers: ClinVar variation 1446876 (VCV001446876.6), dbSNP rs1232760149, ClinGen allele CA361578190.

ClinVar aggregate classification (germline): Uncertain significance (1 of 4 stars; one submission).

Conditions:
Autosomal dominant nonsyndromic hearing loss 1. Also called: KONIGSMARK SYNDROME; DEAFNESS, AUTOSOMAL DOMINANT 1, WITH OR WITHOUT THROMBOCYTOPENIA. Identifiers: Orphanet 90635, MedGen C1852282, MONDO:0007424, OMIM 124900.
Progressive microcephaly-seizures-cortical blindness-developmental delay syndrome. Also called: Seizures, cortical blindness, and microcephaly syndrome. Identifiers: Orphanet 477814, MedGen C5567650, MONDO:0014714, OMIM 616632.

Allele frequency attached by ClinVar (database versions not stated): gnomAD exomes below 0.00001 and 0.00001.
gnomAD v4.1: 3 of 1,614,036 alleles (0.00019%); highest among the groups gnomAD compares: South Asian, 0.0022%; no homozygotes.

Submission:

Labcorp Genetics (formerly Invitae), Labcorp
Classification: Uncertain significance for Progressive microcephaly-seizures-cortical blindness-developmental delay syndrome; Autosomal dominant nonsyndromic hearing loss 1. Last evaluated: 2022-08-22. Review status: criteria provided, single submitter. Criteria: Invitae Variant Classification Sherloc (09022015). Collection method: clinical testing. Allele origin: germline.
Comment: This variant has not been reported in the literature in individuals affected with DIAPH1-related conditions. This variant is present in population databases (no rsID available, gnomAD 0.006%). This sequence change replaces asparagine, which is neutral and polar, with serine, which is neutral and polar, at codon 1140 of the DIAPH1 protein (p.Asn1140Ser). In summary, the available evidence is currently insufficient to determine the role of this variant in disease. Therefore, it has been classified as a Variant of Uncertain Significance. Algorithms developed to predict the effect of sequence changes on RNA splicing suggest that this variant may create or strengthen a splice site. Algorithms developed to predict the effect of missense changes on protein structure and function (SIFT, PolyPhen-2, Align-GVGD) all suggest that this variant is likely to be tolerated. ClinVar contains an entry for this variant (Variation ID: 1446876).